The following is an entry in ClinVar:

NM_001379200.1(TBX1):c.170C>T (p.Pro57Leu)

Gene: TBX1 (T-box transcription factor 1; plus strand). Cytogenetic location: 22q11.21.
Variant type: single nucleotide variant.
Coding change: c.170C>T on transcript NM_001379200.1 (MANE Select); coding-DNA position 170, C replaced by T.
Protein change: p.Pro57Leu; replaces proline 57 with leucine.
Molecular consequence: missense variant.
Genome position (GRCh38, 1-based): chr22:19,761,013, C>T. VCF-style: chr22-19761013-C-T. GRCh37 (hg19) VCF-style: chr22-19748536-C-T.
Other names: c.143C>T, p.Pro48Leu (NM_005992.1, NM_080646.2, NM_080647.1); short protein forms P57L, P48L.
Identifiers: ClinVar variation 2142988 (VCV002142988.4), dbSNP rs1331104618, ClinGen allele CA410681297.
Genomic context (GRCh38, chr22:19,761,013, plus strand): 5'-CGGGCGCCGCGTCGCCCGGCGCCGACCCGTACGGCCCGCGCGAGCCCCCGCCGCCGCCGC[C>T]GCGCTACGACCCGTGCGCCGCCGCCGCCCCCGGCGCCCCGGGCCCGCCGCCGCCGCCGCA-3'
Protein context (NP_001366129.1, residues 47-67): YGPREPPPPP[Pro57Leu]RYDPCAAAAP

ClinVar aggregate classification (germline): Uncertain significance (1 of 4 stars; one submission).

Conditions:
DiGeorge syndrome. Also called: THIRD AND FOURTH PHARYNGEAL POUCH SYNDROME; Catch22. Identifiers: Orphanet 567, MedGen C0012236, MONDO:0008564, OMIM 188400.

Allele frequency attached by ClinVar (database versions not stated): gnomAD exomes below 0.00001; TOPMed below 0.00001; gnomAD 0.00001.
gnomAD v4.1: 4 of 898,360 alleles (0.00045%); highest among the groups gnomAD compares: Non-Finnish European, 0.00027%; no homozygotes.

Submission:

Labcorp Genetics (formerly Invitae), Labcorp
Classification: Uncertain significance for DiGeorge syndrome. Last evaluated: 2023-06-24. Review status: criteria provided, single submitter. Criteria: Invitae Variant Classification Sherloc (09022015). Collection method: clinical testing. Allele origin: germline.
Comment: This sequence change replaces proline, which is neutral and non-polar, with leucine, which is neutral and non-polar, at codon 48 of the TBX1 protein (p.Pro48Leu). In summary, the available evidence is currently insufficient to determine the role of this variant in disease. Therefore, it has been classified as a Variant of Uncertain Significance. Advanced modeling of protein sequence and biophysical properties (such as structural, functional, and spatial information, amino acid conservation, physicochemical variation, residue mobility, and thermodynamic stability) performed at Invitae indicates that this missense variant is not expected to disrupt TBX1 protein function. ClinVar contains an entry for this variant (Variation ID: 2142988). This variant has not been reported in the literature in individuals affected with TBX1-related conditions. The frequency data for this variant in the population databases is considered unreliable, as metrics indicate poor data quality at this position in the gnomAD database.